The following is an entry in ClinVar:

NM_000020.3(ACVRL1):c.934dup (p.His312fs)

Gene: ACVRL1 (activin A receptor like type 1; plus strand). Cytogenetic location: 12q13.13.
Variant type: Duplication.
Coding change: c.934dup on transcript NM_000020.3 (MANE Select); coding-DNA position 934, one base duplicated (C; older notation c.934dupC).
Protein change: p.His312fs; shifts the reading frame from histidine 312.
Molecular consequence: frameshift variant.
Genome position (GRCh38, 1-based): chr12:51,915,386, C duplicated. VCF-style (leftmost placement, unchanged base first): chr12-51915385-G-GC. GRCh37 (hg19) VCF-style: chr12-52309169-G-GC.
Other names: c.934dup, p.His312fs (NM_001077401.2, NM_001406487.1, NM_001406488.1 and 1 more transcripts); c.622dup, p.His208fs (NM_001406490.1, NM_001406491.1, NM_001406492.1 and 2 more transcripts); c.370dup, p.His124fs (NM_001406495.1); short protein forms H124fs, H208fs, H312fs.
Identifiers: ClinVar variation 4735664 (VCV004735664.1).

ClinVar aggregate classification (germline): Pathogenic (1 of 4 stars; one submission).

Conditions:
Telangiectasia, hereditary hemorrhagic, type 2 (HHT2). Also called: Telangiectasia, hereditary hemorrhagic, type II; ACVRL1-Related Hereditary Hemorrhagic Telangiectasia. Identifiers: Orphanet 774, MedGen C1838163, MONDO:0010880, OMIM 600376. Disease mechanism: loss of function.

Submission:

Labcorp Genetics (formerly Invitae), Labcorp
Classification: Pathogenic for Telangiectasia, hereditary hemorrhagic, type 2. Last evaluated: 2026-01-18. Review status: criteria provided, single submitter. Criteria: Invitae Variant Classification Sherloc (09022015). Collection method: clinical testing. Allele origin: germline.
Comment: This sequence change creates a premature translational stop signal (p.His312Profs*80) in the ACVRL1 gene. It is expected to result in an absent or disrupted protein product. Loss-of-function variants in ACVRL1 are known to be pathogenic (PMID: 15879500). This variant is not present in population databases (gnomAD no frequency). This variant has not been reported in the literature in individuals affected with ACVRL1-related conditions. For these reasons, this variant has been classified as Pathogenic.

Literature cited by the submitters: PubMed 15879500.